The following is an entry in ClinVar:

ClinVar aggregate classification (germline): Uncertain significance. Review status: criteria provided, single submitter (1 of 4 stars). 2 submissions from 2 submitters: Uncertain significance (1). 1 of the submissions does not count toward it. Last evaluated 2025-02-23.

Conditions:
Hereditary diffuse gastric adenocarcinoma (HDGC). Also called: DIFFUSE GASTRIC AND LOBULAR BREAST CANCER SYNDROME. Identifiers: Orphanet 26106, MedGen C1708349, MONDO:0007648, OMIM 137215.
Malignant tumor of breast. Also called: Malignant breast neoplasm; Cancer breast. Identifiers: MedGen C0006142, MONDO:0007254. Disease mechanism: loss of function.

gnomAD v4.1: 1 of 1,614,068 alleles (0.000062%); highest among the groups gnomAD compares: Middle Eastern, 0.016%; no homozygotes.

Submissions (2):

Labcorp Genetics (formerly Invitae), Labcorp
Classification: Uncertain significance for Hereditary diffuse gastric adenocarcinoma. Last evaluated: 2025-02-23. Review status: criteria provided, single submitter. Criteria: Invitae Variant Classification Sherloc (09022015). Collection method: clinical testing. Allele origin: germline.
Comment: This sequence change replaces isoleucine, which is neutral and non-polar, with methionine, which is neutral and non-polar, at codon 300 of the CDH1 protein (p.Ile300Met). This variant is not present in population databases (gnomAD no frequency). This variant has not been reported in the literature in individuals affected with CDH1-related conditions. ClinVar contains an entry for this variant (Variation ID: 1050698). An algorithm developed to predict the effect of missense changes on protein structure and function (PolyPhen-2) suggests that this variant is likely to be disruptive. In summary, the available evidence is currently insufficient to determine the role of this variant in disease. Therefore, it has been classified as a Variant of Uncertain Significance.

Department of Pathology and Laboratory Medicine, Sinai Health System
Classification: Uncertain significance for Malignant tumor of breast. Review status: no assertion criteria provided. Collection method: clinical testing. Allele origin: unknown. Affected: yes. Study: The Canadian Open Genetics Repository (COGR). Not counted in ClinVar's aggregate classification.
Comment: The CDH1 p.Ile300Met variant was not identified in the literature nor was it identified in the dbSNP, ClinVar, or the Zhejiang University Database. The variant was identified in the Cosmic (1x in a biliary tract tumor), and in the MutDB database. The variant was not identified in the 1000 Genomes Project, the NHLBI GO Exome Sequencing Project, the Exome Aggregation Consortium (August 8th 2016), or the Genome Aggregation Database (Feb 27, 2017). The p.Ile300 residue is not conserved in mammals and computational analyses (PolyPhen-2, SIFT, AlignGVGD, BLOSUM, MutationTaster) provide inconsistent predictions regarding the impact to the protein; this information is not very predictive of pathogenicity. The variant occurs outside of the splicing consensus sequence and in silico or computational prediction software programs (SpliceSiteFinder, MaxEntScan, NNSPLICE, GeneSplicer, HumanSpliceFinder) do not predict a difference in splicing. In summary, based on the above information the clinical significance of this variant cannot be determined with certainty at this time. This variant is classified as a variant of uncertain significance.

NM_004360.5(CDH1):c.900C>G (p.Ile300Met)

Gene: CDH1 (cadherin 1; plus strand). Cytogenetic location: 16q22.1.
Variant type: single nucleotide variant.
Coding change: c.900C>G on transcript NM_004360.5 (MANE Select); coding-DNA position 900, C replaced by G.
Protein change: p.Ile300Met; replaces isoleucine 300 with methionine.
Molecular consequence: missense variant. On other transcripts: 5 prime UTR variant (2).
Genome position (GRCh38, 1-based): chr16:68,811,751, C>G. VCF-style: chr16-68811751-C-G. GRCh37 (hg19) VCF-style: chr16-68845654-C-G.
Other names: c.900C>G, p.Ile300Met (NM_001317184.2); c.-716C>G (NM_001317185.2); c.-920C>G (NM_001317186.2); short protein forms I300M.
Identifiers: ClinVar variation 1050698 (VCV001050698.5), dbSNP rs775452740, ClinGen allele CA396459677.